The following is an entry in ClinVar:

NM_005592.4(MUSK):c.1543C>G (p.Leu515Val)

Gene: MUSK (muscle associated receptor tyrosine kinase; plus strand). Cytogenetic location: 9q31.3.
Variant type: single nucleotide variant.
Coding change: c.1543C>G on transcript NM_005592.4 (MANE Select); coding-DNA position 1543, C replaced by G.
Protein change: p.Leu515Val; replaces leucine 515 with valine.
Molecular consequence: missense variant.
Genome position (GRCh38, 1-based): chr9:110,784,973, C>G. VCF-style: chr9-110784973-C-G. GRCh37 (hg19) VCF-style: chr9-113547253-C-G.
Other names: c.1285C>G, p.Leu429Val (NM_001166280.2); c.1255C>G, p.Leu419Val (NM_001166281.2); c.283C>G, p.Leu95Val (NM_001369398.1); short protein forms L515V, L419V, L95V, L429V.
Identifiers: ClinVar variation 476132 (VCV000476132.8), dbSNP rs1554755295, ClinGen allele CA374475353.

ClinVar aggregate classification (germline): Uncertain significance (1 of 4 stars; one submission).

Conditions:
Congenital myasthenic syndrome 9. Also called: Myasthenic syndrome, congenital, 9, associated with acetylcholine receptor deficiency. Identifiers: Orphanet 590, MedGen C4225368, MONDO:0014587, OMIM 616325.
Fetal akinesia deformation sequence 1 (FADS1). Also called: Pena-Shokeir syndrome type I; Fetal akinesia sequence. Identifiers: Orphanet 994, MedGen C1276035, MONDO:0100101, OMIM 208150, HP:0001989.

Allele frequency attached by ClinVar (database versions not stated): TOPMed below 0.00001.

Submission:

Labcorp Genetics (formerly Invitae), Labcorp
Classification: Uncertain significance for Congenital myasthenic syndrome 9; Fetal akinesia deformation sequence 1. Last evaluated: 2022-07-06. Review status: criteria provided, single submitter. Criteria: Invitae Variant Classification Sherloc (09022015). Collection method: clinical testing. Allele origin: germline.
Comment: This sequence change replaces leucine, which is neutral and non-polar, with valine, which is neutral and non-polar, at codon 515 of the MUSK protein (p.Leu515Val). This variant is not present in population databases (gnomAD no frequency). This variant has not been reported in the literature in individuals affected with MUSK-related conditions. ClinVar contains an entry for this variant (Variation ID: 476132). Advanced modeling of protein sequence and biophysical properties (such as structural, functional, and spatial information, amino acid conservation, physicochemical variation, residue mobility, and thermodynamic stability) performed at Invitae indicates that this missense variant is not expected to disrupt MUSK protein function. In summary, the available evidence is currently insufficient to determine the role of this variant in disease. Therefore, it has been classified as a Variant of Uncertain Significance.